The following is an entry in ClinVar:

ClinVar aggregate classification (germline): Uncertain significance. Review status: criteria provided, multiple submitters, no conflicts (2 of 4 stars). 2 submissions from 2 submitters: Uncertain significance (2). Last evaluated 2017-03-10.

Conditions:
Inborn genetic diseases. Identifiers: MedGen C0950123, MeSH D030342.

Submissions (2):

GeneDx
Classification: Uncertain significance. Last evaluated: 2017-03-10. Review status: criteria provided, single submitter. Criteria: GeneDx Variant Classification (06012015). Collection method: clinical testing. Allele origin: germline. Affected: yes.
Comment: The D258E variant in the SPTBN2 gene has not been reported previously as a pathogenic variant, nor as a benign variant, to our knowledge. The D258E variant is not observed in large population cohorts (Lek et al., 2016; 1000 Genomes Consortium et al., 2015; Exome Variant Server). The D258E variant is a conservative amino acid substitution, which occurs at a position that is not conserved. However, in silico analysis predicts this variant is probably damaging to the protein structure/function. Therefore, we interpret D258E as a variant of uncertain significance.

Ambry Genetics
Classification: Uncertain significance for Inborn genetic diseases. Last evaluated: 2016-01-13. Review status: criteria provided, single submitter. Criteria: Ambry exome assertion method (8-5-2015). Collection method: clinical testing. Allele origin: germline. Affected: yes. Observed: 1 variant allele.

Literature cited by the submitters: PubMed 17121810 (cited by Ambry Genetics).

NM_006946.4(SPTBN2):c.774C>G (p.Asp258Glu)

Gene: SPTBN2 (spectrin beta, non-erythrocytic 2; minus strand). Cytogenetic location: 11q13.2.
Variant type: single nucleotide variant.
Coding change: c.774C>G on transcript NM_006946.4 (MANE Select); coding-DNA position 774, C replaced by G.
Protein change: p.Asp258Glu; replaces aspartic acid 258 with glutamic acid.
Molecular consequence: missense variant.
Genome position (GRCh38, 1-based): chr11:66,711,028, G>C on the plus strand (C>G on the coding strand, the complement: SPTBN2 is on the minus strand). VCF-style: chr11-66711028-G-C. GRCh37 (hg19) VCF-style: chr11-66478499-G-C.
Other names: short protein forms D258E.
Identifiers: ClinVar variation 423922 (VCV000423922.5), dbSNP rs139240091, ClinGen allele CA16619383.
Genomic context (GRCh38, chr11:66,711,028, plus strand): 5'-ATGGTAGTAAGTAGCCACATAGGTAATGATTGACTTCTCATCTGGCTGGTCCACATTCAC[G>C]TCTGCAAGAGAGGACCATTTGGGTCAGGCCTCCCAGAAGTTCATCCATAACTTGCATCAC-3'
Protein context (NP_008877.2, residues 248-268): LGLTKLLDPE[Asp258Glu]VNVDQPDEKS